The following is an entry in ClinVar:

ClinVar aggregate classification (germline): Pathogenic. Review status: criteria provided, multiple submitters, no conflicts (2 of 4 stars). 3 submissions from 3 submitters: Pathogenic (3). Last evaluated 2024-07-03.

Conditions:
TTC8-related disorder. Also called: TTC8-related condition.
Retinitis pigmentosa 51 (RP51). Identifiers: Orphanet 791, MedGen C3150715, MONDO:0013274, OMIM 613464.
Bardet-Biedl syndrome (BBS). Identifiers: Orphanet 110, MedGen C0752166, MONDO:0015229.

Allele frequency attached by ClinVar (database versions not stated): gnomAD exomes below 0.00001; gnomAD 0.00001; TOPMed 0.00001.

Submissions (3):

Blueprint Genetics
Classification: Pathogenic for TTC8-related disorders. Last evaluated: 2024-07-03. Review status: criteria provided, single submitter. Criteria: ACMG Guidelines, 2015. Collection method: clinical testing. Allele origin: germline. Affected: yes. Observed: 1 variant allele.

Baylor Genetics
Classification: Pathogenic for Retinitis pigmentosa 51. Last evaluated: 2024-02-09. Review status: criteria provided, single submitter. Criteria: ACMG Guidelines, 2015. Collection method: clinical testing. Allele origin: unknown.

Labcorp Genetics (formerly Invitae), Labcorp
Classification: Pathogenic for Bardet-Biedl syndrome. Last evaluated: 2022-05-04. Review status: criteria provided, single submitter. Criteria: Invitae Variant Classification Sherloc (09022015). Collection method: clinical testing. Allele origin: germline.
Comment: For these reasons, this variant has been classified as Pathogenic. This premature translational stop signal has been observed in individual(s) with Bardet-Biedl syndrome (PMID: 30886724). This variant is not present in population databases (gnomAD no frequency). This sequence change creates a premature translational stop signal (p.Gln76*) in the TTC8 gene. It is expected to result in an absent or disrupted protein product. Loss-of-function variants in TTC8 are known to be pathogenic (PMID: 16308660, 16877420, 19797195, 21052717, 30886724).

Literature cited by the submitters: PubMed 30886724 (cited by Labcorp Genetics (formerly Invitae), Labcorp); PubMed 16308660 (cited by Labcorp Genetics (formerly Invitae), Labcorp); PubMed 16877420 (cited by Labcorp Genetics (formerly Invitae), Labcorp); PubMed 19797195 (cited by Labcorp Genetics (formerly Invitae), Labcorp); PubMed 21052717 (cited by Labcorp Genetics (formerly Invitae), Labcorp).

NM_144596.4(TTC8):c.256C>T (p.Gln86Ter)

Gene: TTC8 (tetratricopeptide repeat domain 8; plus strand). Cytogenetic location: 14q31.3.
Variant type: single nucleotide variant.
Coding change: c.256C>T on transcript NM_144596.4 (MANE Select); coding-DNA position 256, C replaced by T.
Protein change: p.Gln86Ter; replaces glutamine 86 with a stop codon.
Molecular consequence: nonsense. On other transcripts: 5 prime UTR variant (2), non-coding transcript variant (1).
Genome position (GRCh38, 1-based): chr14:88,839,563, C>T. VCF-style: chr14-88839563-C-T. GRCh37 (hg19) VCF-style: chr14-89305907-C-T.
Other names: c.226C>T, p.Gln76Ter (NM_001288781.1, NM_001366535.2, NM_001366536.2 and 2 more transcripts); c.-337C>T (NM_001288782.1); c.-432C>T (NM_001288783.1); c.256C>T (NM_144596.3); short protein forms Q76*, Q86*.
Identifiers: ClinVar variation 2428023 (VCV002428023.9), dbSNP rs928368462, ClinGen allele CA264582193.